The following is an entry in ClinVar:

NM_006092.4(NOD1):c.2537+169A>C

Gene: NOD1 (nucleotide binding oligomerization domain containing 1; minus strand). Cytogenetic location: 7p14.3.
Variant type: single nucleotide variant.
Coding change: c.2537+169A>C on transcript NM_006092.4 (MANE Select); 169 bases into the intron after coding-DNA position 2537, A replaced by C.
Molecular consequence: intron variant.
Genome position (GRCh38, 1-based): chr7:30,437,404, T>G on the plus strand (A>C on the coding strand, the complement: NOD1 is on the minus strand). VCF-style: chr7-30437404-T-G. GRCh37 (hg19) VCF-style: chr7-30477020-T-G.
Other names: c.2454-1323A>C (NM_001354849.2).
Identifiers: ClinVar variation 103103 (VCV000103103.2), dbSNP rs199476273, ClinGen allele CA230120.

ClinVar aggregate classification (germline): not provided (0 of 4 stars; one submission).

Allele frequency attached by ClinVar (database versions not stated): gnomAD 0.00013; TOPMed 0.00014; 1000 Genomes Project 30x 0.00016.

Submission:

Human Evolutionary Genetics, Institut Pasteur
No classification provided. Review status: no classification provided. Collection method: not provided. Allele origin: germline.
ClinVar note: Converted during submission from untested to not provided.